The following is an entry in ClinVar:

NM_001079802.2(FKTN):c.1167dup (p.Phe390fs)

Gene: FKTN (fukutin; plus strand). Cytogenetic location: 9q31.2.
Variant type: Duplication.
Coding change: c.1167dup on transcript NM_001079802.2 (MANE Select); coding-DNA position 1167, one base duplicated (A; older notation c.1167dupA).
Protein change: p.Phe390fs; shifts the reading frame from phenylalanine 390.
Molecular consequence: frameshift variant. On other transcripts: non-coding transcript variant (2).
Genome position (GRCh38, 1-based): chr9:105,620,056, A duplicated; the last of 7 consecutive A bases (chr9:105,620,050-105,620,056); duplicating any one gives the same sequence. VCF-style (leftmost placement, unchanged base first): chr9-105620049-G-GA. GRCh37 (hg19) VCF-style: chr9-108382330-G-GA.
Other names: c.1167dup, p.Phe390fs (NM_001198963.2, NM_001351496.2, NM_001351498.2 and 1 more transcripts); c.1098dup, p.Phe367fs (NM_001351497.2); c.771dup, p.Phe258fs (NM_001351499.2, NM_001351500.2, NM_001351501.2 and 1 more transcripts); c.1167dupA (NM_001079802.1, NM_006731.2); short protein forms F258fs, F367fs, F390fs.
Identifiers: ClinVar variation 3203 (VCV000003203.88), dbSNP rs398123555, ClinGen allele CA116060.

ClinVar aggregate classification (germline): Pathogenic. Review status: criteria provided, multiple submitters, no conflicts (2 of 4 stars). 19 submissions from 17 submitters: Pathogenic (17). 2 of the submissions do not count toward it. Last evaluated 2026-02-03.

Conditions:
FKTN-related disorder. Also called: FKTN-related condition; FKTN-related disorders.
Muscular dystrophy-dystroglycanopathy (congenital without impaired intellectual development), type B, 4. Also called: MUSCULAR DYSTROPHY, CONGENITAL, FKTN-RELATED; Muscular dystrophy-dystroglycanopathy (congenital without intellectual disability), type B4. Identifiers: MedGen C2751052, MONDO:0013156, OMIM 613152.
Muscular dystrophy-dystroglycanopathy (congenital with brain and eye anomalies), type A1 (MDDGA1). Also called: Muscular dystrophy-dystroglycanopathy (congenital with brain and eye anomalies), type A, 1; Hydrocephalus, agyria and retinal dysplasia; Hard +/- E syndrome; Warburg syndrome; Chemke syndrome; Pagon syndrome. Identifiers: Orphanet 588, Orphanet 899, MedGen C4284790, MONDO:0009364, OMIM 236670.
Autosomal recessive limb-girdle muscular dystrophy type 2M. Also called: MUSCULAR DYSTROPHY-DYSTROGLYCANOPATHY (LIMB-GIRDLE), TYPE C, 4; MUSCULAR DYSTROPHY, LIMB-GIRDLE, TYPE 2M. Identifiers: Orphanet 206554, MedGen C1969040, MONDO:0012699, OMIM 611588.
Muscular dystrophy-dystroglycanopathy (congenital with brain and eye anomalies), type A, 4 (MDDGA4). Also called: Walker-Warburg Syndrome, Fktn-Related; Congenital muscular dystrophy-dystroglycanopathy with brain and eye anomalies, type A4; WALKER-WARBURG SYNDROME OR MUSCLE-EYE-BRAIN DISEASE, FKTN-RELATED; Muscular dystrophy, congenital progressive, with mental retardation; Muscular dystrophy, congenital, with central nervous system involvement; Cerebromuscular dystrophy, Fukuyama type. Identifiers: Orphanet 272, Orphanet 588, Orphanet 899, MedGen C0410174, MONDO:0009678, OMIM 253800.
Cardiovascular phenotype. Identifiers: MedGen CN230736.
Walker-Warburg congenital muscular dystrophy. Also called: Muscular dystrophy-dystroglycanopathy, type A; Walker-Warburg syndrome. Identifiers: Orphanet 899, MedGen C0265221, MONDO:0000171.
Dilated cardiomyopathy 1X (CMD1X). Also called: FKTN-Related Dilated Cardiomyopathy; CARDIOMYOPATHY, DILATED, WITH MILD OR NO PROXIMAL MUSCLE WEAKNESS. Identifiers: Orphanet 154, MedGen C1969024, MONDO:0012704, OMIM 611615.

Submissions 1 to 10 of 19:

Labcorp Genetics (formerly Invitae), Labcorp
Classification: Pathogenic for Walker-Warburg congenital muscular dystrophy. Last evaluated: 2026-02-03. Review status: criteria provided, single submitter. Criteria: Invitae Variant Classification Sherloc (09022015). Collection method: clinical testing. Allele origin: germline.
Comment: This sequence change creates a premature translational stop signal (p.Phe390Ilefs*14) in the FKTN gene. While this is not anticipated to result in nonsense mediated decay, it is expected to disrupt the last 72 amino acid(s) of the FKTN protein. This variant is present in population databases (rs756763804, gnomAD 0.8%). This premature translational stop signal has been observed in individual(s) with dystroglycanopathies (PMID: 17878207, 18177472, 18752264, 19266496, 27065010). In at least one individual the data is consistent with being in trans (on the opposite chromosome) from a pathogenic variant. It has also been observed to segregate with disease in related individuals. ClinVar contains an entry for this variant (Variation ID: 3203). For these reasons, this variant has been classified as Pathogenic.

Ambry Genetics
Classification: Pathogenic for Cardiovascular phenotype. Last evaluated: 2025-12-18. Review status: criteria provided, single submitter. Criteria: Ambry Variant Classification Scheme 2023. Collection method: clinical testing. Allele origin: germline.
Comment: The c.1167dupA pathogenic mutation, located in coding exon 8 of the FKTN gene, results from a duplication of A at nucleotide position 1167, causing a translational frameshift with a predicted alternate stop codon (p.F390Ifs*14). This alteration occurs at the 3' terminus of theFKTN gene, is not expected to trigger nonsense-mediated mRNA decay, and impacts the last 15% of the protein. However, premature stop codons are typically deleterious in nature, a significant portion of the protein is affected, and the impacted region is critical for protein function (Ambry internal data). This mutation has been detected in both the compound heterozygous and homozygous states in individuals with Fukuyama congenital muscular dystrophy (FCMD) and Walker-Warburg syndrome (WWS). In addition, this mutation is present in 0.8% of healthy Ashkenazi Jewish individuals, and often occurs on one specific haplotype, suggesting it may be a founder mutation in this population (Kondo-Iida E et al. Hum. Mol. Genet., 1999 Nov;8:2303-9; Chang W et al. Prenat. Diagn., 2009 Jun;29:560-9; Cotarelo RP et al. Clin. Genet., 2008 Feb;73:139-45; Godfrey C et al. Ann. Neurol., 2006 Nov;60:603-10). Based on the supporting evidence, this alteration is interpreted as a disease-causing mutation.

PreventionGenetics, part of Exact Sciences
Classification: Pathogenic for FKTN-related condition. Last evaluated: 2025-12-11. Review status: criteria provided, single submitter. Criteria: ACMG Guidelines, 2015. Collection method: clinical testing. Allele origin: germline.
Comment: The FKTN c.1167dupA variant is predicted to result in a frameshift and premature protein termination (p.Phe390Ilefs*14). This variant has been reported in many unrelated individuals to be causative for Walker-Warburg syndrome and is a founder variant in the Ashkenazi Jewish population (reported as 1279insA in Kondo-Iida et al. 1999. PubMed ID: 10545611; Chung et al. 2009. PubMed ID: 19266496; Cotarelo. et al. 2008. PubMed ID: 18177472; Chiara Manzini et al. 2008. PubMed ID: 18752264). This variant is reported in 0.78% of alleles in individuals of Ashkenazi Jewish descent in gnomAD. Frameshift variants in FKTN are expected to be pathogenic. This variant is interpreted as pathogenic.

Natera, Inc.
Classification: Pathogenic for Walker-Warburg congenital muscular dystrophy. Last evaluated: 2025-11-25. Review status: criteria provided, single submitter. Criteria: Natera Variant Classification Schema (03/2026). Collection method: clinical testing. Allele origin: germline.
Comment: The c.1167dupA variant in FKTN is a frameshift variant predicted to shift the reading frame beginning at codon 390 and leads to a stop codon 14 codons downstream. This variant is expected to result in nonsense mediated decay, truncation, or a dysfunctional protein product. This variant is rare in the general population with a frequency below the threshold expected for the associated phenotype(s). This variant has been observed in one or more individuals affected with the associated recessive disease, as either homozygous or compound heterozygous with a second variant (PMID: 19266496). Additionally, this variant has been observed to segregate in affected family members (PMID: 19266496). Given the available evidence, this variant is classified as Pathogenic.

GeneDx
Classification: Pathogenic. Last evaluated: 2025-07-07. Review status: criteria provided, single submitter. Criteria: GeneDx Variant Classification Process June 2021. Collection method: clinical testing. Allele origin: germline. Affected: yes.
Comment: Reported in association with Fukuyama congenital muscular dystrophy (FCMD), limb girdle muscular dystrophy (LGMD), and Walker-Warburg syndrome (WWS) (PMID: 17044012, 10545611, 18177472, 18752264, 19266496); Reported with a second variant in the FKTN gene in a patient with dilated cardiomyopathy; however, segregation information was not provided (PMID: 32746448); Founder mutation in the Ashkenazi Jewish population, present in 81/10350 (0.78%) alleles from individuals of Ashkenazi Jewish ancestry in large population cohorts (gnomAD; PMID: 18177472, 19266496, 18752264); Frameshift variant predicted to result in abnormal protein length as the last 72 amino acid(s) are replaced with 13 different amino acid(s), and other similar variants have been reported in HGMD; This variant is associated with the following publications: (PMID: 18752264, 39399040, 18177472, 19266496, 20961758, 10545611, 27065010, 29327352, 31980526, 17044012, 32746448, 38361118, 38544359)

Revvity Omics, Revvity
Classification: Pathogenic. Last evaluated: 2024-10-29. Review status: criteria provided, single submitter. Criteria: ACMG Guidelines, 2015. Collection method: clinical testing. Allele origin: germline.

Blueprint Genetics
Classification: Pathogenic for FKTN-related disorders. Last evaluated: 2024-07-31. Review status: criteria provided, single submitter. Criteria: ACMG Guidelines, 2015. Collection method: clinical testing. Allele origin: germline. Affected: yes. Observed: 5 variant alleles.

Baylor Genetics
Classification: Pathogenic for Dilated cardiomyopathy 1X. Last evaluated: 2024-03-21. Review status: criteria provided, single submitter. Criteria: ACMG Guidelines, 2015. Collection method: clinical testing. Allele origin: unknown.

Fulgent Genetics
Classification: Pathogenic for Muscular dystrophy-dystroglycanopathy (congenital with brain and eye anomalies), type A, 4; Autosomal recessive limb-girdle muscular dystrophy type 2M; Dilated cardiomyopathy 1X; Muscular dystrophy-dystroglycanopathy (congenital without impaired intellectual development), type B, 4. Last evaluated: 2024-01-04. Review status: criteria provided, single submitter. Criteria: ACMG Guidelines, 2015. Collection method: clinical testing. Allele origin: germline.

Department of Pathology and Laboratory Medicine, Sinai Health System
Classification: Pathogenic for Autosomal recessive limb-girdle muscular dystrophy type 2M; Muscular dystrophy-dystroglycanopathy (congenital with brain and eye anomalies), type A1; Muscular dystrophy-dystroglycanopathy (congenital without impaired intellectual development), type B, 4; Muscular dystrophy-dystroglycanopathy (congenital with brain and eye anomalies), type A, 4. Last evaluated: 2023-04-25. Review status: criteria provided, single submitter. Criteria: ACMG Guidelines, 2015. Collection method: research. Allele origin: germline.